The following is an entry in ClinVar:

NM_198576.4(AGRN):c.4632C>T (p.Gly1544=)

Gene: AGRN (agrin; plus strand). Cytogenetic location: 1p36.33.
Variant type: single nucleotide variant.
Coding change: c.4632C>T on transcript NM_198576.4 (MANE Select); coding-DNA position 4632, C replaced by T.
Protein change: p.Gly1544=; no amino-acid change (glycine 1544 retained).
Molecular consequence: synonymous variant.
Genome position (GRCh38, 1-based): chr1:1,049,683, C>T. VCF-style: chr1-1049683-C-T. GRCh37 (hg19) VCF-style: chr1-985063-C-T.
Other names: c.4632C>T, p.Gly1544= (NM_001305275.2); c.4317C>T, p.Gly1439= (NM_001364727.2).
Identifiers: ClinVar variation 1921782 (VCV001921782.2), dbSNP rs1174638162, ClinGen allele CA415758738.

ClinVar aggregate classification (germline): Uncertain significance (1 of 4 stars; one submission).

Conditions:
Congenital myasthenic syndrome 8. Also called: MYASTHENIC SYNDROME, CONGENITAL, DUE TO AGRIN DEFICIENCY; Myasthenic syndrome, congenital, 8, with pre- and postsynaptic defects. Identifiers: Orphanet 590, MedGen C3808739, MONDO:0014052, OMIM 615120.

Allele frequency attached by ClinVar (database versions not stated): gnomAD exomes below 0.00001; TOPMed below 0.00001; gnomAD 0.00001; 1000 Genomes Project 30x 0.00016.
gnomAD v4.1: 7 of 1,573,828 alleles (0.00044%); highest among the groups gnomAD compares: East Asian, 0.0023%; no homozygotes.

Submission:

Labcorp Genetics (formerly Invitae), Labcorp
Classification: Uncertain significance for Congenital myasthenic syndrome 8. Last evaluated: 2022-05-09. Review status: criteria provided, single submitter. Criteria: Invitae Variant Classification Sherloc (09022015). Collection method: clinical testing. Allele origin: germline.
Comment: This sequence change affects codon 1544 of the AGRN mRNA. It is a 'silent' change, meaning that it does not change the encoded amino acid sequence of the AGRN protein. The frequency data for this variant in the population databases is considered unreliable, as metrics indicate poor data quality at this position in the gnomAD database. This variant has not been reported in the literature in individuals affected with AGRN-related conditions. Algorithms developed to predict the effect of sequence changes on RNA splicing suggest that this variant may create or strengthen a splice site. In summary, the available evidence is currently insufficient to determine the role of this variant in disease. Therefore, it has been classified as a Variant of Uncertain Significance.